The following is an entry in ClinVar:

NM_004187.5(KDM5C):c.2723G>A (p.Gly908Glu)

Gene: KDM5C (lysine demethylase 5C; minus strand). Cytogenetic location: Xp11.22.
Variant type: single nucleotide variant.
Coding change: c.2723G>A on transcript NM_004187.5 (MANE Select); coding-DNA position 2723, G replaced by A.
Protein change: p.Gly908Glu; replaces glycine 908 with glutamic acid.
Molecular consequence: missense variant. On other transcripts: non-coding transcript variant (3).
Genome position (GRCh38, 1-based): chrX:53,196,944, C>T on the plus strand (G>A on the coding strand, the complement: KDM5C is on the minus strand). VCF-style: chrX-53196944-C-T. GRCh37 (hg19) VCF-style: chrX-53226126-C-T.
Other names: c.2522G>A, p.Gly841Glu (NM_001146702.2); c.2720G>A, p.Gly907Glu (NM_001282622.3, NM_001353979.2, NM_001353982.2); c.2723G>A, p.Gly908Glu (NM_001353978.3, NM_001353981.2, NM_001353984.2); short protein forms G841E, G907E, G908E.
Identifiers: ClinVar variation 3376061 (VCV003376061.2).
Genomic context (GRCh38, chrX:53,196,944, plus strand): 5'-GCCTGTTCCACCTGCCGCTGGAGCTGCTGGGCCTCAGGCACCTCCACCCCCAGCTGCCGC[C>T]CCCTCTCCAACAGGGACTGCAGTAGCCCTGGACTGGAGGGCAGTGAGGCCAGGGCCTCAC-3'
Protein context (NP_004178.2, residues 898-918): PGLLQSLLER[Gly908Glu]RQLGVEVPEA

ClinVar aggregate classification (germline): Conflicting classifications of pathogenicity. Review status: criteria provided, conflicting classifications (1 of 4 stars). 2 submissions from 2 submitters: Uncertain significance (1); Likely benign (1). Last evaluated 2026-04-07.

Conditions:
Intellectual developmental disorder, X-linked, syndromic, Claes-Jensen type. Also called: INTELLECTUAL DEVELOPMENTAL DISORDER, X-LINKED, SYNDROMIC 16; MENTAL RETARDATION, X-LINKED, SYNDROMIC 16; Syndromic X-linked intellectual disability Claes-Jensen type. Identifiers: Orphanet 85279, MedGen C1845243, MONDO:0010355, OMIM 300534.

gnomAD v4.1: 10 of 1,198,187 alleles (0.00083%); highest among the groups gnomAD compares: South Asian, 0.018%; no homozygotes.

Submissions (2):

Centre for Medical Genetics,  Mumbai
Classification: Likely benign for Intellectual developmental disorder, X-linked, syndromic, Claes-Jensen type. Last evaluated: 2026-04-07. Review status: criteria provided, single submitter. Criteria: ACMG Guidelines, 2015. Collection method: provider interpretation. Allele origin: germline. Inheritance: X-linked recessive inheritance. Affected: no. Observed: 1 variant allele, 1 homozygote.
Comment: The variant satisfies PM2 criteria - extremely low frequency in gnomAD population databases. The variant satisfies PP2 criteria - missense variant in a gene with low rate of benign missense mutations and for which missense mutation is a common mechanism of a disease. The variant satisfies BS2 criteria - variant was observed in a homozygous state in population databases more than expected for disease However, the variant satisfies BS2 criteria - present in homozygous state in an individual that clinically does not have Intellectual developmental disorder, X-linked syndromic, Claes-Jensen type.

GeneDx
Classification: Uncertain significance. Last evaluated: 2024-05-05. Review status: criteria provided, single submitter. Criteria: GeneDx Variant Classification Process June 2021. Collection method: clinical testing. Allele origin: germline. Affected: yes.
Comment: In silico analysis supports that this missense variant has a deleterious effect on protein structure/function; Has not been previously published as pathogenic or benign to our knowledge

Literature cited by the submitters: PubMed 15586325 (cited by Centre for Medical Genetics,  Mumbai).